The following is an entry in ClinVar:

NM_007348.4(ATF6):c.106G>A (p.Gly36Ser)

Gene: ATF6 (activating transcription factor 6; plus strand). Cytogenetic location: 1q23.3.
Variant type: single nucleotide variant.
Coding change: c.106G>A on transcript NM_007348.4 (MANE Select); coding-DNA position 106, G replaced by A.
Protein change: p.Gly36Ser; replaces glycine 36 with serine.
Molecular consequence: missense variant.
Genome position (GRCh38, 1-based): chr1:161,778,267, G>A. VCF-style: chr1-161778267-G-A. GRCh37 (hg19) VCF-style: chr1-161748057-G-A.
Other names: c.106G>A, p.Gly36Ser (NM_001410890.1); short protein forms G36S.
Identifiers: ClinVar variation 2058072 (VCV002058072.2), dbSNP rs1466020300, ClinGen allele CA343383911.

ClinVar aggregate classification (germline): Uncertain significance (1 of 4 stars; one submission).

Allele frequency attached by ClinVar (database versions not stated): gnomAD exomes 0.00001.
gnomAD v4.1: 13 of 1,613,260 alleles (0.00081%); highest among the groups gnomAD compares: Admixed American, 0.0033%; no homozygotes.

Submission:

Labcorp Genetics (formerly Invitae), Labcorp
Classification: Uncertain significance. Last evaluated: 2022-07-20. Review status: criteria provided, single submitter. Criteria: Invitae Variant Classification Sherloc (09022015). Collection method: clinical testing. Allele origin: germline.
Comment: In summary, the available evidence is currently insufficient to determine the role of this variant in disease. Therefore, it has been classified as a Variant of Uncertain Significance. Algorithms developed to predict the effect of missense changes on protein structure and function (SIFT, PolyPhen-2, Align-GVGD) all suggest that this variant is likely to be tolerated. This variant has not been reported in the literature in individuals affected with ATF6-related conditions. The frequency data for this variant in the population databases is considered unreliable, as metrics indicate poor data quality at this position in the gnomAD database. This sequence change replaces glycine, which is neutral and non-polar, with serine, which is neutral and polar, at codon 36 of the ATF6 protein (p.Gly36Ser).